The following is an entry in ClinVar:

NM_000551.4(VHL):c.448A>C (p.Asn150His)

Genes: VHL (von Hippel-Lindau tumor suppressor; plus strand), LOC107303340 (3p25 von Hippel-Lindau tumor suppressor, E3 ubiquitin protein ligase Alu-mediated recombination region; plus strand). Cytogenetic location: 3p25.3.
Variant type: single nucleotide variant.
Coding change: c.448A>C on transcript NM_000551.4 (MANE Select); coding-DNA position 448, A replaced by C.
Protein change: p.Asn150His; replaces asparagine 150 with histidine.
Molecular consequence: missense variant. On other transcripts: intron variant (2).
Genome position (GRCh38, 1-based): chr3:10,146,621, A>C. VCF-style: chr3-10146621-A-C. GRCh37 (hg19) VCF-style: chr3-10188305-A-C.
Other names: c.*18-3166A>C (NM_001354723.2); c.341-3166A>C (NM_198156.3); short protein forms N150H.
Identifiers: ClinVar variation 1740939 (VCV001740939.5), dbSNP rs2125128482, ClinGen allele CA351754320.

ClinVar aggregate classification (germline): Conflicting classifications of pathogenicity. Review status: criteria provided, conflicting classifications (1 of 4 stars). 2 submissions from 2 submitters: Uncertain significance (1); Likely benign (1). Last evaluated 2026-08-12.

Conditions:
Hereditary cancer-predisposing syndrome. Also called: Hereditary Cancer Syndrome; Hereditary neoplastic syndrome; Neoplastic Syndromes, Hereditary; Tumor predisposition. Identifiers: Orphanet 140162, MedGen C0027672, MeSH D009386, MONDO:0015356.
Chuvash polycythemia. Also called: POLYCYTHEMIA, VHL-DEPENDENT. Identifiers: Orphanet 238557, MedGen C1837915, MONDO:0009892, OMIM 263400.
Von Hippel-Lindau syndrome (VHLS). Also called: Von Hippel-Lindau; von Hippel–Lindau syndrome; VHL syndrome. Identifiers: Orphanet 892, MedGen C0019562, MONDO:0008667, OMIM 193300. Disease mechanism: loss of function.

Allele frequency attached by ClinVar (database versions not stated): gnomAD exomes below 0.00001.
gnomAD v4.1: 3 of 1,613,926 alleles (0.00019%); highest among the groups gnomAD compares: South Asian, 0.0022%; no homozygotes.

Submissions (2):

Ambry Genetics
Classification: Likely benign for Hereditary cancer-predisposing syndrome. Last evaluated: 2026-08-12. Review status: criteria provided, single submitter. Criteria: Ambry Variant Classification Scheme 2023. Collection method: clinical testing. Allele origin: germline.

Labcorp Genetics (formerly Invitae), Labcorp
Classification: Uncertain significance for Von Hippel-Lindau syndrome; Chuvash polycythemia. Last evaluated: 2026-01-26. Review status: criteria provided, single submitter. Criteria: Invitae Variant Classification Sherloc (09022015). Collection method: clinical testing. Allele origin: germline.
Comment: This sequence change replaces asparagine, which is neutral and polar, with histidine, which is basic and polar, at codon 150 of the VHL protein (p.Asn150His). This variant is not present in population databases (gnomAD no frequency). This variant has not been reported in the literature in individuals affected with VHL-related conditions. ClinVar contains an entry for this variant (Variation ID: 1740939). Invitae Evidence Modeling of protein sequence and biophysical properties (such as structural, functional, and spatial information, amino acid conservation, physicochemical variation, residue mobility, and thermodynamic stability) indicates that this missense variant is expected to disrupt VHL protein function with a positive predictive value of 95%. In summary, the available evidence is currently insufficient to determine the role of this variant in disease. Therefore, it has been classified as a Variant of Uncertain Significance.

Literature cited by the submitters: PubMed 38969834 (cited by Ambry Genetics).